The following is an entry in ClinVar:

ClinVar aggregate classification (germline): Uncertain significance (1 of 4 stars; one submission).

Conditions:
PCNT-related disorder. Also called: PCNT-related condition.

gnomAD v4.1: 3 of 1,614,052 alleles (0.00019%); highest among the groups gnomAD compares: African/African-American, 0.0013%; no homozygotes.

Submission:

PreventionGenetics, part of Exact Sciences
Classification: Uncertain significance for PCNT-related condition. Last evaluated: 2025-12-23. Review status: criteria provided, single submitter. Criteria: ACMG Guidelines, 2015. Collection method: clinical testing. Allele origin: germline.
Comment: The PCNT c.7312A>G variant is predicted to result in the amino acid substitution p.Lys2438Glu. To our knowledge, this variant has not been reported in the literature or in a large population database (gnomAD), indicating this variant is rare. At this time, the clinical significance of this variant is uncertain due to the absence of conclusive functional and genetic evidence.

NM_006031.6(PCNT):c.7312A>G (p.Lys2438Glu)

Gene: PCNT (pericentrin; plus strand). Cytogenetic location: 21q22.3.
Variant type: single nucleotide variant.
Coding change: c.7312A>G on transcript NM_006031.6 (MANE Select); coding-DNA position 7312, A replaced by G.
Protein change: p.Lys2438Glu; replaces lysine 2438 with glutamic acid.
Molecular consequence: missense variant.
Genome position (GRCh38, 1-based): chr21:46,425,963, A>G. VCF-style: chr21-46425963-A-G. GRCh37 (hg19) VCF-style: chr21-47845877-A-G.
Other names: c.6958A>G, p.Lys2320Glu (NM_001315529.2); short protein forms K2320E, K2438E.
Identifiers: ClinVar variation 4991175 (VCV004991175.1).